The following is an entry in ClinVar:

NM_000256.3(MYBPC3):c.3148G>A (p.Glu1050Lys)

Gene: MYBPC3 (myosin binding protein C3; minus strand). Cytogenetic location: 11p11.2.
Variant type: single nucleotide variant.
Coding change: c.3148G>A on transcript NM_000256.3 (MANE Select); coding-DNA position 3148, G replaced by A.
Protein change: p.Glu1050Lys; replaces glutamic acid 1050 with lysine.
Molecular consequence: missense variant.
Genome position (GRCh38, 1-based): chr11:47,333,599, C>T on the plus strand (G>A on the coding strand, the complement: MYBPC3 is on the minus strand). VCF-style: chr11-47333599-C-T. GRCh37 (hg19) VCF-style: chr11-47355150-C-T.
Other names: c.3148G>A, p.Glu1050Lys (LRG_386t1); short protein forms E1050K.
Identifiers: ClinVar variation 191703 (VCV000191703.20), dbSNP rs780449220, ClinGen allele CA013548.
Genomic context (GRCh38, chr11:47,333,599, plus strand): 5'-GAGGCCTTGGCCACGCACCAACAACCTGCAGCACCAGCGTGGCCTTGTCCTCCATGTTCT[C>T]AATGCGCACCGTCACCTGGTAAGTGCCTGAATGCACGCGGCGAGCGGCCCGGATGAACAG-3'
Protein context (NP_000247.2, residues 1040-1060): SGTYQVTVRI[Glu1050Lys]NMEDKATLVL

ClinVar aggregate classification (germline): Conflicting classifications of pathogenicity. Review status: criteria provided, conflicting classifications (1 of 4 stars). 7 submissions from 7 submitters: Uncertain significance (3); Benign (1); Likely benign (3). Last evaluated 2026-04-06.

Conditions:
MYBPC3-related disorder. Also called: MYBPC3-related disorders; MYBPC3-related condition; MYBPC3-related disease.
Cardiomyopathy (CMYO). Also called: Cardiomyopathies. Identifiers: Orphanet 167848, MedGen C0878544, MONDO:0004994, HP:0001638. Inheritance: Various modes of inheritance.
Hypertrophic cardiomyopathy. Also called: HYPERTROPHIC MYOCARDIOPATHY. Identifiers: Orphanet 217569, MedGen C0007194, MeSH D002312, MONDO:0005045, HP:0001639.

Allele frequency attached by ClinVar (database versions not stated): gnomAD 0.00001; gnomAD exomes 0.00001 and 0.00008; TOPMed 0.00001; ExAC 0.00008.
gnomAD v4.1: 15 of 1,602,664 alleles (0.00094%); highest among the groups gnomAD compares: East Asian, 0.027%; no homozygotes.

Submissions (7):

PreventionGenetics, part of Exact Sciences
Classification: Uncertain significance for MYBPC3-related condition. Last evaluated: 2026-04-06. Review status: criteria provided, single submitter. Criteria: ACMG Guidelines, 2015. Collection method: clinical testing. Allele origin: germline.
Comment: The MYBPC3 c.3148G>A variant is predicted to result in the amino acid substitution p.Glu1050Lys. This variant has been reported as a variant of uncertain significance in individuals with hypertrophic cardiomyopathy (Table S3, Pua et al. 2020. PubMed ID: 32815737; Wu et al. 2021. PubMed ID: 34601892; Chen et al. 2024. PubMed ID: 38205249). This variant is reported in 0.11% of alleles in individuals of East Asian descent in gnomAD. Although we suspect that this variant may be benign, at this time, the clinical significance of this variant is uncertain due to the absence of conclusive functional and genetic evidence.

Labcorp Genetics (formerly Invitae), Labcorp
Classification: Likely benign for Hypertrophic cardiomyopathy. Last evaluated: 2025-06-03. Review status: criteria provided, single submitter. Criteria: Invitae Variant Classification Sherloc (09022015). Collection method: clinical testing. Allele origin: germline.

All of Us Research Program, National Institutes of Health
Classification: Uncertain significance for Hypertrophic cardiomyopathy. Last evaluated: 2024-09-23. Review status: criteria provided, single submitter. Criteria: ACMG Guidelines, 2015. Collection method: clinical testing. Allele origin: germline. Inheritance: Autosomal dominant inheritance. Observed: 6 variant alleles, 6 heterozygotes.
Comment: Variant of Uncertain Significance due to insufficient evidence: This missense variant is located in the Ig-like domain C8 of the MYBPC3 protein. Computational prediction tools and conservation analyses are inconclusive regarding the impact of this variant on the protein function. Computational splicing tools suggest that this variant may not impact RNA splicing. To our knowledge, functional assays have not been performed for this variant nor has this variant been reported in individuals affected with cardiovascular disorders in the literature. This variant has been identified in 21/269384 chromosomes (21/18848 East Asian chromosomes, 0.11%) in the general population by the Genome Aggregation Database (gnomAD). Although the relatively high frequency of this variant in the general population suggests that it is unlikely to be disease-causing, available evidence is insufficient to rule out the pathogenicity of this variant conclusively.

This study involves interpretation of variants in research participants for the purpose of population health screening. Participant phenotype was not available at the time of variant classification. Additional details can be found in publication PMID: 35346344, PMCID: PMC8962531

Color Diagnostics, LLC DBA Color Health
Classification: Likely benign for Cardiomyopathy. Last evaluated: 2024-06-18. Review status: criteria provided, single submitter. Criteria: ACMG Guidelines, 2015. Collection method: clinical testing. Allele origin: germline.

Blueprint Genetics
Classification: Likely benign. Last evaluated: 2019-05-09. Review status: criteria provided, single submitter. Criteria: ACMG Guidelines, 2015. Collection method: clinical testing. Allele origin: germline.

CHEO Genetics Diagnostic Laboratory, Children's Hospital of Eastern Ontario
Classification: Benign for Cardiomyopathy. Last evaluated: 2018-01-26. Review status: criteria provided, single submitter. Criteria: ACMG Guidelines, 2015. Collection method: clinical testing. Allele origin: germline.

Biesecker Lab/Clinical Genomics Section, National Institutes of Health
Classification: Uncertain significance. Last evaluated: 2013-06-24. Review status: criteria provided, single submitter. Criteria: Ng et al. (Circ Cardiovasc Genet. 2013). Collection method: research. Allele origin: unknown. Observed: 1 variant allele. Study: ClinSeq.
Comment: The study set was not selected for affection status in relation to any cancer. Pathogenicity categories were based on literature curation. See Pubmed ID:23861362 for details.

Medical sequencing